The following is an entry in ClinVar:

NM_002591.4(PCK1):c.453G>A (p.Ser151=)

Gene: PCK1 (phosphoenolpyruvate carboxykinase 1; plus strand). Cytogenetic location: 20q13.31.
Variant type: single nucleotide variant.
Coding change: c.453G>A on transcript NM_002591.4 (MANE Select); coding-DNA position 453, G replaced by A.
Protein change: p.Ser151=; no amino-acid change (serine 151 retained).
Molecular consequence: synonymous variant.
Genome position (GRCh38, 1-based): chr20:57,562,742, G>A. VCF-style: chr20-57562742-G-A. GRCh37 (hg19) VCF-style: chr20-56137798-G-A.
Identifiers: ClinVar variation 338875 (VCV000338875.16), dbSNP rs1062600, ClinGen allele CA9922017.

ClinVar aggregate classification (germline): Benign. Review status: criteria provided, multiple submitters, no conflicts (2 of 4 stars). 5 submissions from 5 submitters: Benign (5). Last evaluated 2026-02-04.

Conditions:
Phosphoenolpyruvate carboxykinase deficiency, cytosolic (PCKDC). Also called: PCK1 DEFICIENCY, CYTOSOLIC; PEPCK DEFICIENCY, CYTOSOLIC. Identifiers: Orphanet 2880, MedGen C5574905, MONDO:0009866, OMIM 261680.

Allele frequency attached by ClinVar (database versions not stated): 1000 Genomes Project 0.29513; 1000 Genomes Project 30x 0.29934; gnomAD exomes 0.37642; ExAC 0.37882; TOPMed 0.37948; gnomAD 0.39080 and 0.39601; ESP Exome Variant Server 0.41273.
gnomAD v4.1: 691,806 of 1,610,092 alleles (43%); highest among the groups gnomAD compares: Middle Eastern, 54%; 155,703 homozygotes.

Submissions (5):

Labcorp Genetics (formerly Invitae), Labcorp
Classification: Benign. Last evaluated: 2026-02-04. Review status: criteria provided, single submitter. Criteria: Invitae Variant Classification Sherloc (09022015). Collection method: clinical testing. Allele origin: germline.

Genome-Nilou Lab
Classification: Benign for Phosphoenolpyruvate carboxykinase deficiency, cytosolic. Last evaluated: 2021-09-05. Review status: criteria provided, single submitter. Criteria: ACMG Guidelines, 2015. Collection method: clinical testing. Allele origin: germline. Affected: no.

GeneDx
Classification: Benign. Last evaluated: 2019-12-13. Review status: criteria provided, single submitter. Criteria: GeneDx Variant Classification Process June 2021. Collection method: clinical testing. Allele origin: germline. Affected: yes.

Illumina Laboratory Services, Illumina
Classification: Benign for Phosphoenolpyruvate carboxykinase deficiency, cytosolic. Last evaluated: 2018-01-13. Review status: criteria provided, single submitter. Criteria: ICSL Variant Classification Criteria 13 December 2019. Collection method: clinical testing. Allele origin: germline.
Comment: This variant was observed in the ICSL laboratory as part of a predisposition screen in an ostensibly healthy population. It had not been previously curated by ICSL or reported in the Human Gene Mutation Database (HGMD: prior to June 1st, 2018), and was therefore a candidate for classification through an automated scoring system. Utilizing variant allele frequency, disease prevalence and penetrance estimates, and inheritance mode, an automated score was calculated to assess if this variant is too frequent to cause the disease. Based on the score and internal cut-off values, a variant classified as benign is not then subjected to further curation. The score for this variant resulted in a classification of benign for this disease.

Breakthrough Genomics
Classification: Benign. Review status: criteria provided, single submitter. Criteria: ACMG Guidelines, 2015. Collection method: not provided. Allele origin: germline. Inheritance: Autosomal recessive inheritance. Affected: yes.